The following is an entry in ClinVar:

NM_005461.5(MAFB):c.423G>C (p.Pro141=)

Gene: MAFB (MAF bZIP transcription factor B; minus strand). Cytogenetic location: 20q12.
Variant type: single nucleotide variant.
Coding change: c.423G>C on transcript NM_005461.5 (MANE Select); coding-DNA position 423, G replaced by C.
Protein change: p.Pro141=; no amino-acid change (proline 141 retained).
Molecular consequence: synonymous variant.
Genome position (GRCh38, 1-based): chr20:40,688,428, C>G on the plus strand (G>C on the coding strand, the complement: MAFB is on the minus strand). VCF-style: chr20-40688428-C-G. GRCh37 (hg19) VCF-style: chr20-39317068-C-G.
Other names: c.423G>C (NM_005461.4).
Identifiers: ClinVar variation 1670371 (VCV001670371.10), dbSNP rs367955583, ClinGen allele CA9857791.

ClinVar aggregate classification (germline): Likely benign. Review status: criteria provided, single submitter (1 of 4 stars). 2 submissions from 2 submitters: Likely benign (1). 1 of the submissions does not count toward it. Last evaluated 2023-08-16.

Conditions:
MAFB-related disorder. Also called: MAFB-related condition.

Allele frequency attached by ClinVar (database versions not stated): gnomAD exomes 0.00003; ESP Exome Variant Server 0.00008.

Submissions (2):

Labcorp Genetics (formerly Invitae), Labcorp
Classification: Likely benign. Last evaluated: 2023-08-16. Review status: criteria provided, single submitter. Criteria: Invitae Variant Classification Sherloc (09022015). Collection method: clinical testing. Allele origin: germline.

PreventionGenetics, part of Exact Sciences
Classification: Likely benign for MAFB-related condition. Last evaluated: 2020-12-09. Review status: no assertion criteria provided. Collection method: clinical testing. Allele origin: germline. Not counted in ClinVar's aggregate classification.
Comment: This variant is classified as likely benign based on ACMG/AMP sequence variant interpretation guidelines (Richards et al. 2015 PMID: 25741868, with internal and published modifications).